The following is an entry in ClinVar:

NM_001161352.2(KCNMA1):c.2276A>C (p.Glu759Ala)

Genes: KCNMA1 (potassium calcium-activated channel subfamily M alpha 1; minus strand), KCNMA1-AS1 (KCNMA1 antisense RNA 1; plus strand). Cytogenetic location: 10q22.3.
Variant type: single nucleotide variant.
Coding change: c.2276A>C on transcript NM_001161352.2 (MANE Select); coding-DNA position 2276, A replaced by C.
Protein change: p.Glu759Ala; replaces glutamic acid 759 with alanine.
Molecular consequence: missense variant.
Genome position (GRCh38, 1-based): chr10:76,970,058, T>G on the plus strand (A>C on the coding strand, the complement: KCNMA1 is on the minus strand). VCF-style: chr10-76970058-T-G. GRCh37 (hg19) VCF-style: chr10-78729816-T-G.
Other names: c.2123A>C, p.Glu708Ala (NM_001322830.2); c.2102A>C, p.Glu701Ala (NM_001322832.2, NM_002247.4, NM_001161353.2); c.2114A>C, p.Glu705Ala (NM_001322835.2, NM_001322837.2, NM_001014797.3); c.2111A>C, p.Glu704Ala (NM_001322836.2, NM_001271519.2, NM_001322829.2); c.1649A>C, p.Glu550Ala (NM_001322838.2); c.1952A>C, p.Glu651Ala (NM_001271518.2); short protein forms E651A, E701A, E550A, E708A, E704A, E705A, E759A.
Identifiers: ClinVar variation 879911 (VCV000879911.7), dbSNP rs767957728, ClinGen allele CA5568144.

ClinVar aggregate classification (germline): Uncertain significance. Review status: criteria provided, multiple submitters, no conflicts (2 of 4 stars). 2 submissions from 2 submitters: Uncertain significance (2). Last evaluated 2023-07-31.

Conditions:
Generalized epilepsy-paroxysmal dyskinesia syndrome (PNKD3). Also called: Generalized epilepsy and paroxysmal dyskinesia; Paroxysmal nonkinesigenic dyskinesia, 3, with or without generalized epilepsy. Identifiers: Orphanet 79137, MedGen C5574945, MONDO:0012276, OMIM 609446.

Allele frequency attached by ClinVar (database versions not stated): ExAC 0.00001; gnomAD exomes 0.00001 and 0.00002; TOPMed 0.00003; gnomAD 0.00004.
gnomAD v4.1: 25 of 1,613,534 alleles (0.0015%); highest among the groups gnomAD compares: Non-Finnish European, 0.00025%; no homozygotes.

Submissions (2):

Labcorp Genetics (formerly Invitae), Labcorp
Classification: Uncertain significance for Generalized epilepsy-paroxysmal dyskinesia syndrome. Last evaluated: 2023-07-31. Review status: criteria provided, single submitter. Criteria: Invitae Variant Classification Sherloc (09022015). Collection method: clinical testing. Allele origin: germline.
Comment: In summary, the available evidence is currently insufficient to determine the role of this variant in disease. Therefore, it has been classified as a Variant of Uncertain Significance. Advanced modeling of protein sequence and biophysical properties (such as structural, functional, and spatial information, amino acid conservation, physicochemical variation, residue mobility, and thermodynamic stability) performed at Invitae indicates that this missense variant is not expected to disrupt KCNMA1 protein function. This variant is present in population databases (rs767957728, gnomAD 0.04%). This sequence change replaces glutamic acid, which is acidic and polar, with alanine, which is neutral and non-polar, at codon 701 of the KCNMA1 protein (p.Glu701Ala). This variant has not been reported in the literature in individuals affected with KCNMA1-related conditions. ClinVar contains an entry for this variant (Variation ID: 879911).

Illumina Laboratory Services, Illumina
Classification: Uncertain significance for Generalized epilepsy-paroxysmal dyskinesia syndrome. Last evaluated: 2018-01-12. Review status: criteria provided, single submitter. Criteria: ICSL Variant Classification Criteria 13 December 2019. Collection method: clinical testing. Allele origin: germline.